The following is an entry in ClinVar:

NM_020708.5(SLC12A5):c.*2058G>A

Gene: SLC12A5 (solute carrier family 12 member 5; plus strand). Cytogenetic location: 20q13.12.
Variant type: single nucleotide variant.
Coding change: c.*2058G>A on transcript NM_020708.5 (MANE Select); 2058 bases downstream of the stop codon, G replaced by A.
Molecular consequence: 3 prime UTR variant.
Genome position (GRCh38, 1-based): chr20:46,059,663, G>A. VCF-style: chr20-46059663-G-A. GRCh37 (hg19) VCF-style: chr20-44688302-G-A.
Other names: c.*2058G>A (NM_001134771.2).
Identifiers: ClinVar variation 3255294 (VCV003255294.2), dbSNP rs7266662.

ClinVar aggregate classification (germline): Benign (1 of 4 stars; one submission).

Allele frequency attached by ClinVar (database versions not stated): 1000 Genomes Project 30x 0.15319; 1000 Genomes Project 0.15515; TOPMed 0.18012; gnomAD exomes 0.18760; gnomAD 0.18763.
gnomAD v4.1: 75,046 of 398,854 alleles (19%); highest among the groups gnomAD compares: South Asian, 29%; 7,591 homozygotes.

Submission:

Unidad de Genómica Garrahan, Hospital de Pediatría Garrahan
Classification: Benign. Last evaluated: 2024-07-15. Review status: criteria provided, single submitter. Criteria: ACMG Guidelines, 2015. Collection method: clinical testing. Allele origin: germline. Affected: no. Observed: 30 variant alleles.
Comment: This variant is classified as Benign based on local population frequency. This variant was detected in 32% of patients studied in a panel designed for Epileptic and Developmental Encephalopathy and Progressive Myoclonus Epilepsy. Number of patients: 30. Only high quality variants are reported.